The following is an entry in ClinVar:

NM_001379500.1(COL18A1):c.3702G>A (p.Leu1234=)

Genes: COL18A1 (collagen type XVIII alpha 1 chain; plus strand), SLC19A1 (solute carrier family 19 member 1; minus strand). Cytogenetic location: 21q22.3.
Variant type: single nucleotide variant.
Coding change: c.3702G>A on transcript NM_001379500.1 (MANE Select); coding-DNA position 3702, G replaced by A.
Protein change: p.Leu1234=; no amino-acid change (leucine 1234 retained).
Molecular consequence: synonymous variant.
Genome position (GRCh38, 1-based): chr21:45,511,119, G>A. VCF-style: chr21-45511119-G-A. GRCh37 (hg19) VCF-style: chr21-46931033-G-A.
Other names: c.4233G>A, p.Leu1411= (NM_030582.4); c.4938G>A, p.Leu1646= (NM_130444.3).
Identifiers: ClinVar variation 1619274 (VCV001619274.33), dbSNP rs372684121, ClinGen allele CA10068052.

ClinVar aggregate classification (germline): Likely benign. Review status: criteria provided, multiple submitters, no conflicts (2 of 4 stars). 3 submissions from 3 submitters: Likely benign (3). Last evaluated 2026-02-02.

Allele frequency attached by ClinVar (database versions not stated): ESP Exome Variant Server 0.00008; gnomAD exomes 0.00008 and 0.00017; gnomAD 0.00009 and 0.00011; ExAC 0.00010.
gnomAD v4.1: 254 of 1,566,076 alleles (0.016%); highest among the groups gnomAD compares: Middle Eastern, 0.083%; no homozygotes.

Submissions (3):

Labcorp Genetics (formerly Invitae), Labcorp
Classification: Likely benign. Last evaluated: 2026-02-02. Review status: criteria provided, single submitter. Criteria: Invitae Variant Classification Sherloc (09022015). Collection method: clinical testing. Allele origin: germline.

Blueprint Genetics
Classification: Likely benign. Last evaluated: 2024-11-15. Review status: criteria provided, single submitter. Criteria: ACMG Guidelines, 2015. Collection method: clinical testing. Allele origin: germline.

CeGaT Center for Human Genetics Tuebingen
Classification: Likely benign. Last evaluated: 2023-01-01. Review status: criteria provided, single submitter. Criteria: CeGaT Center For Human Genetics Tuebingen Variant Classification Criteria Version 2. Collection method: clinical testing. Allele origin: germline. Affected: yes. Observed: 1 variant allele.
Comment: COL18A1: BP4, BP7